The following is an entry in ClinVar:

NM_003803.4(MYOM1):c.4319G>A (p.Arg1440Lys)

Gene: MYOM1 (myomesin 1; minus strand). Cytogenetic location: 18p11.31.
Variant type: single nucleotide variant.
Coding change: c.4319G>A on transcript NM_003803.4 (MANE Select); coding-DNA position 4319, G replaced by A.
Protein change: p.Arg1440Lys; replaces arginine 1440 with lysine.
Molecular consequence: missense variant.
Genome position (GRCh38, 1-based): chr18:3,085,065, C>T on the plus strand (G>A on the coding strand, the complement: MYOM1 is on the minus strand). VCF-style: chr18-3085065-C-T. GRCh37 (hg19) VCF-style: chr18-3085063-C-T.
Other names: c.4031G>A, p.Arg1344Lys (NM_019856.2); short protein forms R1344K, R1440K.
Identifiers: ClinVar variation 3606643 (VCV003606643.2).

ClinVar aggregate classification (germline): Uncertain significance (1 of 4 stars; one submission).

Conditions:
Hypertrophic cardiomyopathy. Also called: HYPERTROPHIC MYOCARDIOPATHY. Identifiers: Orphanet 217569, MedGen C0007194, MeSH D002312, MONDO:0005045, HP:0001639.

Submission:

Labcorp Genetics (formerly Invitae), Labcorp
Classification: Uncertain significance for Hypertrophic cardiomyopathy. Last evaluated: 2024-09-23. Review status: criteria provided, single submitter. Criteria: Invitae Variant Classification Sherloc (09022015). Collection method: clinical testing. Allele origin: germline.
Comment: This sequence change replaces arginine, which is basic and polar, with lysine, which is basic and polar, at codon 1440 of the MYOM1 protein (p.Arg1440Lys). This variant is not present in population databases (gnomAD no frequency). This variant has not been reported in the literature in individuals affected with MYOM1-related conditions. Invitae Evidence Modeling of protein sequence and biophysical properties (such as structural, functional, and spatial information, amino acid conservation, physicochemical variation, residue mobility, and thermodynamic stability) indicates that this missense variant is not expected to disrupt MYOM1 protein function with a negative predictive value of 80%. In summary, the available evidence is currently insufficient to determine the role of this variant in disease. Therefore, it has been classified as a Variant of Uncertain Significance.